The following is an entry in ClinVar:

NM_005639.3(SYT1):c.926C>T (p.Ser309Phe)

Gene: SYT1 (synaptotagmin 1; plus strand). Cytogenetic location: 12q21.2.
Variant type: single nucleotide variant.
Coding change: c.926C>T on transcript NM_005639.3 (MANE Select); coding-DNA position 926, C replaced by T.
Protein change: p.Ser309Phe; replaces serine 309 with phenylalanine.
Molecular consequence: missense variant.
Genome position (GRCh38, 1-based): chr12:79,353,617, C>T. VCF-style: chr12-79353617-C-T. GRCh37 (hg19) VCF-style: chr12-79747397-C-T.
Other names: c.926C>T, p.Ser309Phe (NM_001135805.2, NM_001135806.2); c.917C>T, p.Ser306Phe (NM_001291901.2); short protein forms S306F, S309F.
Identifiers: ClinVar variation 1686243 (VCV001686243.5), dbSNP rs2136007588, ClinGen allele CA385930631.
Genomic context (GRCh38, chr12:79,353,617, plus strand): 5'-AGCTGACTGTTGTCATTCTGGAGGCAAAGAACCTGAAGAAGATGGATGTGGGTGGCTTAT[C>T]CGGTAAGCCTGCAGTGTTTATTGATTTTTTTCAAATGCTGTTTCGTCGTGGATACCAAAT-3'
Protein context (NP_005630.1, residues 299-319): NLKKMDVGGL[Ser309Phe]DPYVKIHLMQ

ClinVar aggregate classification (germline): Pathogenic/Likely pathogenic. Review status: criteria provided, multiple submitters, no conflicts (2 of 4 stars). 3 submissions from 3 submitters: Pathogenic (2); Likely pathogenic (1). Last evaluated 2026-01-05.

Conditions:
Infantile hypotonia-oculomotor anomalies-hyperkinetic movements-developmental delay syndrome. Also called: BAKER-GORDON SYNDROME; NEURODEVELOPMENTAL DISORDER WITH INVOLUNTARY MOVEMENT AND ABNORMAL ELECTROENCEPHALOGRAM. Identifiers: Orphanet 522077, MedGen C4748715, MONDO:0033864, OMIM 618218.

Submissions (3):

3billion
Classification: Pathogenic for Infantile hypotonia-oculomotor anomalies-hyperkinetic movements-developmental delay syndrome. Last evaluated: 2026-01-05. Review status: criteria provided, single submitter. Criteria: ACMG Guidelines, 2015. Collection method: clinical testing. Allele origin: germline. Affected: yes.
Comment: The variant is not observed in the gnomAD v4.1.0 dataset. Predicted Consequence/Location: The variant is located in a mutational hot spot and/or well-established functional domain in which established pathogenic variants have been reported. Missense variant. Missense changes are a common disease-causing mechanism. In silico tool predictions suggest damaging effect of the variant on gene or gene product [REVEL: 0.88 (>=0.6, sensitivity 0.68 and specificity 0.92); 3Cnet: 0.97 (> 0.75, sensitivity 0.96 and precision 0.92)]. The same nucleotide change resulting in the same amino acid change has been previously reported as pathogenic/likely pathogenic with strong evidence (ClinVar ID: VCV001686243). A different missense change at the same codon (p.Ser309Pro) has been reported to be associated with SYT1-related disorder (PMID: 35101335). Therefore, this variant is classified as Pathogenic according to the recommendation of ACMG/AMP guideline.

Greenwood Genetic Center Diagnostic Laboratories, Greenwood Genetic Center
Classification: Likely pathogenic for Infantile hypotonia-oculomotor anomalies-hyperkinetic movements-developmental delay syndrome. Last evaluated: 2022-07-07. Review status: criteria provided, single submitter. Criteria: ACMG Guidelines, 2015. Collection method: clinical testing. Allele origin: germline. Affected: yes.
Comment: PS2, PM2, PP3

Mendelics
Classification: Pathogenic for Infantile hypotonia-oculomotor anomalies-hyperkinetic movements-developmental delay syndrome. Last evaluated: 2022-05-04. Review status: criteria provided, single submitter. Criteria: Mendelics Assertion Criteria 2019. Collection method: clinical testing. Allele origin: germline.

Literature cited by the submitters: PubMed 35101335 (cited by 3billion).